The following is an entry in ClinVar:

NM_005334.3(HCFC1):c.2004C>T (p.Ile668=)

Gene: HCFC1 (host cell factor C1; minus strand). Cytogenetic location: Xq28.
Variant type: single nucleotide variant.
Coding change: c.2004C>T on transcript NM_005334.3 (MANE Select); coding-DNA position 2004, C replaced by T.
Protein change: p.Ile668=; no amino-acid change (isoleucine 668 retained).
Molecular consequence: synonymous variant.
Genome position (GRCh38, 1-based): chrX:153,958,049, G>A on the plus strand (C>T on the coding strand, the complement: HCFC1 is on the minus strand). VCF-style: chrX-153958049-G-A. GRCh37 (hg19) VCF-style: chrX-153223500-G-A.
Other names: c.2004C>T, p.Ile668= (NM_001410705.1).
Identifiers: ClinVar variation 2729265 (VCV002729265.4), dbSNP rs2065395318, ClinGen allele CA519703060.
Genomic context (GRCh38, chrX:153,958,049, plus strand): 5'-GGCAGTGGCCGTAGCCTGGCAGCACCCATCACTCACCAGAGCACTGCCTCCTGGGACAGA[G>A]ATGGGGCTCTTCACCAGGGTGATGGTCTTGGTGACCCCGCCCACAACTGTGGTCACCACC-3'
Protein context (NP_005325.2, residues 658-678): TKTITLVKSP[Ile668=]SVPGGSALIS

ClinVar aggregate classification (germline): Conflicting classifications of pathogenicity. Review status: criteria provided, conflicting classifications (1 of 4 stars). 2 submissions from 2 submitters: Uncertain significance (1); Likely benign (1). Last evaluated 2026-09-01.

Conditions:
Methylmalonic acidemia with homocystinuria, type cblX (MAHCX). Also called: INTELLECTUAL DEVELOPMENTAL DISORDER, X-LINKED 3. Identifiers: Orphanet 369962, MedGen C0796208, MONDO:0010657, OMIM 309541.

Allele frequency attached by ClinVar (database versions not stated): gnomAD 0.00001.

Submissions (2):

CeGaT Center for Human Genetics Tuebingen
Classification: Uncertain significance. Last evaluated: 2026-09-01. Review status: criteria provided, single submitter. Criteria: CeGaT Center For Human Genetics Tuebingen Variant Classification Criteria Version 2. Collection method: clinical testing. Allele origin: germline. Affected: yes. Observed: 1 variant allele.
Comment: HCFC1: PM2, BP4

Labcorp Genetics (formerly Invitae), Labcorp
Classification: Likely benign for Methylmalonic acidemia with homocystinuria, type cblX. Last evaluated: 2023-05-02. Review status: criteria provided, single submitter. Criteria: Invitae Variant Classification Sherloc (09022015). Collection method: clinical testing. Allele origin: germline.